The following is an entry in ClinVar:

ClinVar aggregate classification (germline): Pathogenic/Likely pathogenic. Review status: criteria provided, multiple submitters, no conflicts (2 of 4 stars). 8 submissions from 8 submitters: Pathogenic (4); Likely pathogenic (2). 2 of the submissions do not count toward it. Last evaluated 2025-10-14.

Conditions:
AQP2-related disorder. Also called: AQP2-related condition.
Nephrogenic diabetes insipidus. Identifiers: Orphanet 223, MedGen C0162283, MONDO:0016383, HP:0009806.
Diabetes insipidus, nephrogenic, autosomal (NDI2). Also called: Diabetes insipidus, nephrogenic, 2, autosomal; Nephrogenic Diabetes Insipidus, Type II. Identifiers: Orphanet 223, MedGen C1563706, MONDO:0007451, OMIM 125800.

Allele frequency attached by ClinVar (database versions not stated): gnomAD 0.00007 and 0.00008; TOPMed 0.00006; ExAC 0.00007; gnomAD exomes 0.00005.
gnomAD v4.1: 57 of 1,605,318 alleles (0.0036%); highest among the groups gnomAD compares: East Asian, 0.0045%; no homozygotes.

Submissions (8):

Natera, Inc.
Classification: Likely pathogenic for Nephrogenic diabetes insipidus. Last evaluated: 2025-10-14. Review status: criteria provided, single submitter. Criteria: Natera Variant Classification Schema (03/2026). Collection method: clinical testing. Allele origin: germline.
Comment: The c.439G>A variant in AQP2 is a missense variant predicted to cause substitution of alanine to threonine at amino acid 147. This variant is rare in the general population with a frequency below the threshold expected for the associated phenotype(s). This variant has been observed in one or more individuals affected with the associated recessive disease, as either homozygous or compound heterozygous with a second variant (PMID: 10770218, 9048343). This variant has been identified in one or more affected individual with a phenotype highly consistent with the associated gene (PMID: 10770218). Computational prediction algorithms indicate this variant is likely to affect gene or protein function. Given the available evidence, this variant is classified as Likely Pathogenic.

Labcorp Genetics (formerly Invitae), Labcorp
Classification: Pathogenic. Last evaluated: 2025-02-17. Review status: criteria provided, single submitter. Criteria: Invitae Variant Classification Sherloc (09022015). Collection method: clinical testing. Allele origin: germline.
Comment: This sequence change replaces alanine, which is neutral and non-polar, with threonine, which is neutral and polar, at codon 147 of the AQP2 protein (p.Ala147Thr). This variant is present in population databases (rs104894334, gnomAD 0.01%). This missense change has been observed in individuals with autosomal recessive nephrogenic diabetes insipidus (PMID: 9048343, 10770218, 22644838). ClinVar contains an entry for this variant (Variation ID: 17832). Invitae Evidence Modeling of protein sequence and biophysical properties (such as structural, functional, and spatial information, amino acid conservation, physicochemical variation, residue mobility, and thermodynamic stability) indicates that this missense variant is not expected to disrupt AQP2 protein function with a negative predictive value of 80%. Experimental studies have shown that this missense change affects AQP2 function (PMID: 9048343, 9593782, 10564236, 10574954). For these reasons, this variant has been classified as Pathogenic.

Blueprint Genetics
Classification: Pathogenic for AQP2-related disorders. Last evaluated: 2024-11-21. Review status: criteria provided, single submitter. Criteria: ACMG Guidelines, 2015. Collection method: clinical testing. Allele origin: germline. Affected: yes. Observed: 5 variant alleles.

GeneDx
Classification: Pathogenic. Last evaluated: 2024-11-01. Review status: criteria provided, single submitter. Criteria: GeneDx Variant Classification Process June 2021. Collection method: clinical testing. Allele origin: germline. Affected: yes.
Comment: Published functional studies demonstrate a damaging effect on vasopressin-induced water permeability (PMID: 10411689); In silico analysis supports that this missense variant has a deleterious effect on protein structure/function; This variant is associated with the following publications: (PMID: 9048343, 22644838, 31589614, 10564236, 27641679, 37674034, 15253895, 10574954, 9593782, 11374071, Karaduman2021[FunctionalStudy], 29996815, 26069764, 29799470, 16825342, 8793791, 32993088, 32621731, 10770218, 32281760, 10411689, 38622833)

Fulgent Genetics
Classification: Likely pathogenic for Diabetes insipidus, nephrogenic, autosomal. Last evaluated: 2024-05-07. Review status: criteria provided, single submitter. Criteria: ACMG Guidelines, 2015. Collection method: clinical testing. Allele origin: germline.

Revvity Omics, Revvity
Classification: Pathogenic for Diabetes insipidus, nephrogenic, autosomal. Last evaluated: 2024-01-25. Review status: criteria provided, single submitter. Criteria: ACMG Guidelines, 2015. Collection method: clinical testing. Allele origin: germline.

Women's Health and Genetics/Laboratory Corporation of America, LabCorp
No classification provided. Condition: Nephrogenic Diabetes Insipidus. Last evaluated: 2015-10-02. Review status: no classification provided. Collection method: clinical testing. Allele origin: germline. Not counted in ClinVar's aggregate classification.

OMIM
Classification: Pathogenic for DIABETES INSIPIDUS, NEPHROGENIC, 2, AUTOSOMAL RECESSIVE. Last evaluated: 1997-02-01. Review status: no assertion criteria provided. Collection method: literature only. Allele origin: germline. Not counted in ClinVar's aggregate classification.

Literature cited by the submitters: PubMed 10770218 (cited by Natera, Inc. and Labcorp Genetics (formerly Invitae), Labcorp); PubMed 9048343 (cited by 3 submitters); PubMed 22644838 (cited by Labcorp Genetics (formerly Invitae), Labcorp); PubMed 9593782 (cited by Labcorp Genetics (formerly Invitae), Labcorp); PubMed 10564236 (cited by Labcorp Genetics (formerly Invitae), Labcorp); PubMed 10574954 (cited by Labcorp Genetics (formerly Invitae), Labcorp).

NM_000486.6(AQP2):c.439G>A (p.Ala147Thr)

Genes: AQP2 (aquaporin 2; plus strand), AQP5-AS1 (AQP5 and AQP2 antisense RNA 2; minus strand). Cytogenetic location: 12q13.12.
Variant type: single nucleotide variant.
Coding change: c.439G>A on transcript NM_000486.6 (MANE Select); coding-DNA position 439, G replaced by A.
Protein change: p.Ala147Thr; replaces alanine 147 with threonine.
Molecular consequence: missense variant. On other transcripts: non-coding transcript variant (1).
Genome position (GRCh38, 1-based): chr12:49,954,233, G>A. VCF-style: chr12-49954233-G-A. GRCh37 (hg19) VCF-style: chr12-50348016-G-A.
Other names: short protein forms A147T.
Identifiers: ClinVar variation 17832 (VCV000017832.17), dbSNP rs104894334, ClinGen allele CA127470.